The following is an entry in ClinVar:

NM_017849.4(TMEM127):c.*1163C>T

Gene: TMEM127 (transmembrane protein 127; minus strand). Cytogenetic location: 2q11.2.
Variant type: single nucleotide variant.
Coding change: c.*1163C>T on transcript NM_017849.4 (MANE Select); 1163 bases downstream of the stop codon, C replaced by T.
Molecular consequence: 3 prime UTR variant.
Genome position (GRCh38, 1-based): chr2:96,252,645, G>A on the plus strand (C>T on the coding strand, the complement: TMEM127 is on the minus strand). VCF-style: chr2-96252645-G-A. GRCh37 (hg19) VCF-style: chr2-96918383-G-A.
Other names: c.*1163C>T (NM_001193304.3).
Identifiers: ClinVar variation 337489 (VCV000337489.5), dbSNP rs11691019, ClinGen allele CA10614641.
Genomic context (GRCh38, chr2:96,252,645, plus strand): 5'-AGAGTCTAGGGCAGCACTGGGTCTGAAGGACACAGCCCGGCCTGCTGGGCTGACAGTGTG[G>A]GTCTGATGCCTCACATGATGTGGCCCCACTGGTTGTATTCCTATGTGGAGGGTGGTGGGT-3'

ClinVar aggregate classification (germline): Benign (1 of 4 stars; one submission).

Conditions:
Pheochromocytoma. Also called: MAX-Related Hereditary Paraganglioma-Pheochromocytoma Syndrome. Identifiers: Orphanet 29072, MedGen C0031511, MONDO:0008233, OMIM 171300, HP:0002666.

Allele frequency attached by ClinVar (database versions not stated): 1000 Genomes Project 0.00339; 1000 Genomes Project 30x 0.00375; TOPMed 0.00652; gnomAD 0.00749 and 0.00769; gnomAD exomes 0.00781.
gnomAD v4.1: 1,764 of 233,910 alleles (0.75%); highest among the groups gnomAD compares: Non-Finnish European, 1.1%; 14 homozygotes.

Submission:

Illumina Laboratory Services, Illumina
Classification: Benign for Pheochromocytoma. Last evaluated: 2018-01-12. Review status: criteria provided, single submitter. Criteria: ICSL Variant Classification Criteria 13 December 2019. Collection method: clinical testing. Allele origin: germline.
Comment: This variant was observed in the ICSL laboratory as part of a predisposition screen in an ostensibly healthy population. It had not been previously curated by ICSL or reported in the Human Gene Mutation Database (HGMD: prior to June 1st, 2018), and was therefore a candidate for classification through an automated scoring system. Utilizing variant allele frequency, disease prevalence and penetrance estimates, and inheritance mode, an automated score was calculated to assess if this variant is too frequent to cause the disease. Based on the score and internal cut-off values, a variant classified as benign is not then subjected to further curation. The score for this variant resulted in a classification of benign for this disease.